The following is an entry in ClinVar:

ClinVar aggregate classification (germline): Uncertain significance (1 of 4 stars; one submission).

gnomAD v4.1: 2 of 1,614,098 alleles (0.00012%); highest among the groups gnomAD compares: Non-Finnish European, 0.00017%; no homozygotes.

Submission:

Ambry Genetics
Classification: Uncertain significance. Last evaluated: 2024-12-16. Review status: criteria provided, single submitter. Criteria: Ambry Variant Classification Scheme 2023. Collection method: clinical testing. Allele origin: germline.
Comment: The p.F57S variant (also known as c.170T>C), located in coding exon 1 of the TET2 gene, results from a T to C substitution at nucleotide position 170. The phenylalanine at codon 57 is replaced by serine, an amino acid with highly dissimilar properties. This amino acid position is conserved. In addition, this alteration is predicted to be tolerated by in silico analysis. Based on the available evidence, the clinical significance of this variant remains unclear.

NM_001127208.3(TET2):c.170T>C (p.Phe57Ser)

Genes: TET2 (tet methylcytosine dioxygenase 2; plus strand), TET2-AS1 (TET2 antisense RNA 1; minus strand). Cytogenetic location: 4q24.
Variant type: single nucleotide variant.
Coding change: c.170T>C on transcript NM_001127208.3 (MANE Select); coding-DNA position 170, T replaced by C.
Protein change: p.Phe57Ser; replaces phenylalanine 57 with serine.
Molecular consequence: missense variant.
Genome position (GRCh38, 1-based): chr4:105,234,112, T>C. VCF-style: chr4-105234112-T-C. GRCh37 (hg19) VCF-style: chr4-106155269-T-C.
Other names: c.170T>C, p.Phe57Ser (NM_017628.4); short protein forms F57S.
Identifiers: ClinVar variation 3805864 (VCV003805864.1).